The following is an entry in ClinVar:

NM_001365999.1(SZT2):c.6384dup (p.Glu2129Ter)

Gene: SZT2 (SZT2 subunit of KICSTOR complex; plus strand). Cytogenetic location: 1p34.2.
Variant type: Duplication.
Coding change: c.6384dup on transcript NM_001365999.1 (MANE Select); coding-DNA position 6384, one base duplicated (T; older notation c.6384dupT).
Protein change: p.Glu2129Ter; replaces glutamic acid 2129 with a stop codon.
Molecular consequence: nonsense.
Genome position (GRCh38, 1-based): chr1:43,437,688, T duplicated. VCF-style (leftmost placement, unchanged base first): chr1-43437687-C-CT. GRCh37 (hg19) VCF-style: chr1-43903358-C-CT.
Other names: c.6213dup, p.Glu2072Ter (NM_015284.4); short protein forms E2072*, E2129*.
Identifiers: ClinVar variation 2035349 (VCV002035349.6), dbSNP rs2545841708, ClinGen allele CA2580062822.

ClinVar aggregate classification (germline): Pathogenic/Likely pathogenic. Review status: criteria provided, multiple submitters, no conflicts (2 of 4 stars). 2 submissions from 2 submitters: Pathogenic (1); Likely pathogenic (1). Last evaluated 2025-08-31.

Conditions:
Developmental and epileptic encephalopathy, 18 (DEE18). Also called: Early infantile epileptic encephalopathy 18. Identifiers: Orphanet 369894, MedGen C3809624, MONDO:0014201, OMIM 615476.

Submissions (2):

Labcorp Genetics (formerly Invitae), Labcorp
Classification: Pathogenic. Last evaluated: 2025-08-31. Review status: criteria provided, single submitter. Criteria: Invitae Variant Classification Sherloc (09022015). Collection method: clinical testing. Allele origin: germline.
Comment: This sequence change creates a premature translational stop signal (p.Glu2072*) in the SZT2 gene. It is expected to result in an absent or disrupted protein product. Loss-of-function variants in SZT2 are known to be pathogenic (PMID: 23932106, 27248490, 28556953). This variant is not present in population databases (gnomAD no frequency). This variant has not been reported in the literature in individuals affected with SZT2-related conditions. ClinVar contains an entry for this variant (Variation ID: 2035349). Algorithms developed to predict the effect of sequence changes on RNA splicing suggest that this variant may disrupt the consensus splice site. For these reasons, this variant has been classified as Pathogenic.

Juno Genomics, Hangzhou Juno Genomics, Inc
Classification: Likely pathogenic for Developmental and epileptic encephalopathy, 18. Review status: criteria provided, single submitter. Criteria: ACMG Guidelines, 2015. Collection method: clinical testing. Allele origin: germline.
Comment: Absent from controls (or at extremely low frequency if recessive) in Genome Aggregation Database.;Null variant in a gene where loss of function (LOF) is a known mechanism of disease.

Literature cited by the submitters: PubMed 23932106 (cited by Labcorp Genetics (formerly Invitae), Labcorp); PubMed 27248490 (cited by Labcorp Genetics (formerly Invitae), Labcorp); PubMed 28556953 (cited by Labcorp Genetics (formerly Invitae), Labcorp).